The following is an entry in ClinVar:

NM_003482.4(KMT2D):c.721del (p.Leu241fs)

Gene: KMT2D (lysine methyltransferase 2D; minus strand). Cytogenetic location: 12q13.12.
Variant type: Deletion.
Coding change: c.721del on transcript NM_003482.4 (MANE Select); coding-DNA position 721, one base deleted (C; older notation c.721delC).
Protein change: p.Leu241fs; shifts the reading frame from leucine 241.
Molecular consequence: frameshift variant.
Genome position (GRCh38, 1-based): chr12:49,053,594, G deleted on the plus strand (C on the coding strand, the reverse complement: KMT2D is on the minus strand); the first of 2 consecutive G bases (chr12:49,053,594-49,053,595); deleting either gives the same sequence. VCF-style (leftmost placement, unchanged base first): chr12-49053593-AG-A. GRCh37 (hg19) VCF-style: chr12-49447376-AG-A.
Other names: short protein forms L241fs.
Identifiers: ClinVar variation 1879236 (VCV001879236.29), dbSNP rs2498465966, ClinGen allele CA2580086391.

ClinVar aggregate classification (germline): Pathogenic (1 of 4 stars; one submission).

Submission:

CeGaT Center for Human Genetics Tuebingen
Classification: Pathogenic. Last evaluated: 2022-12-01. Review status: criteria provided, single submitter. Criteria: CeGaT Center For Human Genetics Tuebingen Variant Classification Criteria Version 2. Collection method: clinical testing. Allele origin: germline. Affected: yes. Observed: 1 variant allele.
Comment: KMT2D: PVS1, PM2, PS4:Supporting